The following is an entry in ClinVar:

ClinVar aggregate classification (germline): Uncertain significance (1 of 4 stars; one submission).

Conditions:
Autosomal recessive limb-girdle muscular dystrophy type 2P. Also called: MUSCULAR DYSTROPHY-DYSTROGLYCANOPATHY, LIMB-GIRDLE, DAG1-RELATED; Limb-Girdle Muscular Dystrophy Type 9C; MUSCULAR DYSTROPHY, LIMB-GIRDLE, TYPE 2P. Identifiers: Orphanet 280333, MedGen C4511963, MONDO:0013440, OMIM 613818.
Muscular dystrophy-dystroglycanopathy (congenital with brain and eye anomalies), type A9. Also called: WALKER-WARBURG SYNDROME OR MUSCLE-EYE BRAIN DISEASE, DAG1-RELATED; Muscular dystrophy-dystroglycanopathy (congenital with brain and eye anomalies), type a, 9. Identifiers: Orphanet 370997, Orphanet 899, MedGen C4225291, MONDO:0014683, OMIM 616538.

Submission:

Labcorp Genetics (formerly Invitae), Labcorp
Classification: Uncertain significance for Autosomal recessive limb-girdle muscular dystrophy type 2P; Muscular dystrophy-dystroglycanopathy (congenital with brain and eye anomalies), type A9. Last evaluated: 2022-08-16. Review status: criteria provided, single submitter. Criteria: Invitae Variant Classification Sherloc (09022015). Collection method: clinical testing. Allele origin: germline.
Comment: This sequence change replaces valine, which is neutral and non-polar, with leucine, which is neutral and non-polar, at codon 220 of the DAG1 protein (p.Val220Leu). This variant is not present in population databases (gnomAD no frequency). This variant has not been reported in the literature in individuals affected with DAG1-related conditions. ClinVar contains an entry for this variant (Variation ID: 1474307). Algorithms developed to predict the effect of missense changes on protein structure and function (SIFT, PolyPhen-2, Align-GVGD) all suggest that this variant is likely to be tolerated. In summary, the available evidence is currently insufficient to determine the role of this variant in disease. Therefore, it has been classified as a Variant of Uncertain Significance.

NM_004393.6(DAG1):c.658G>C (p.Val220Leu)

Gene: DAG1 (dystroglycan 1; plus strand). Cytogenetic location: 3p21.31.
Variant type: single nucleotide variant.
Coding change: c.658G>C on transcript NM_004393.6 (MANE Select); coding-DNA position 658, G replaced by C.
Protein change: p.Val220Leu; replaces valine 220 with leucine.
Molecular consequence: missense variant.
Genome position (GRCh38, 1-based): chr3:49,531,169, G>C. VCF-style: chr3-49531169-G-C. GRCh37 (hg19) VCF-style: chr3-49568602-G-C.
Other names: c.658G>C, p.Val220Leu (NM_001165928.4, NM_001177634.3, NM_001177635.3 and 9 more transcripts); short protein forms V220L.
Identifiers: ClinVar variation 1474307 (VCV001474307.5), dbSNP rs2107927146, ClinGen allele CA352793794.
Genomic context (GRCh38, chr3:49,531,169, plus strand): 5'-ACCAAGATGACCCCAAAGCAAAGGATTGACCTCCTGCACAGGATGCGGAGCTTCTCAGAA[G>C]TAGAGCTTCACAACATGAAATTAGTGCCGGTGGTGAATAACAGACTATTTGACATGTCGG-3'
Protein context (NP_004384.5, residues 210-230): LLHRMRSFSE[Val220Leu]ELHNMKLVPV